The following is an entry in ClinVar:

NM_000169.3(GLA):c.262T>G (p.Tyr88Asp)

Genes: GLA (galactosidase alpha; minus strand), RPL36A-HNRNPH2 (RPL36A-HNRNPH2 readthrough; plus strand). Cytogenetic location: Xq22.1.
Variant type: single nucleotide variant.
Coding change: c.262T>G on transcript NM_000169.3 (MANE Select); coding-DNA position 262, T replaced by G.
Protein change: p.Tyr88Asp; replaces tyrosine 88 with aspartic acid.
Molecular consequence: missense variant. On other transcripts: non-coding transcript variant (3), intron variant (2).
Genome position (GRCh38, 1-based): chrX:101,403,918, A>C on the plus strand (T>G on the coding strand, the complement: GLA is on the minus strand). VCF-style: chrX-101403918-A-C. GRCh37 (hg19) VCF-style: chrX-100658906-A-C.
Other names: c.385T>G, p.Tyr129Asp (NM_001406747.1, NM_001406749.1); c.262T>G, p.Tyr88Asp (NM_001406748.1); c.301-8018A>C (NM_001199973.2); c.178-8018A>C (NM_001199974.2); short protein forms Y129D, Y88D.
Identifiers: ClinVar variation 4087318 (VCV004087318.2).

ClinVar aggregate classification (germline): Pathogenic (1 of 4 stars; one submission).

Conditions:
Fabry disease. Also called: ALPHA-GALACTOSIDASE A DEFICIENCY; ANDERSON-FABRY DISEASE; CERAMIDE TRIHEXOSIDASE DEFICIENCY; GLA DEFICIENCY; HEREDITARY DYSTOPIC LIPIDOSIS; Angiokeratoma corporis diffusum. Identifiers: Orphanet 324, MedGen C0002986, MONDO:0010526, OMIM 301500, HP:0001071. Disease mechanism: Fabry disease is due to inactivating mutations in the X-linked GLA gene resulting in deficiency of the enzyme Alpha Galactosidase-A., loss of function.

Submission:

Genomenon, Inc
Classification: Pathogenic for Fabry disease. Last evaluated: 2026-09-08. Review status: criteria provided, single submitter. Criteria: Genomenon Sequence Variant Interpretation Standards - Updated. Collection method: curation. Allele origin: germline. Affected: yes.
Comment: GLA p.Tyr88Asp (c.262T>G) is a missense variant that changes the amino acid at codon 88 from Tyrosine to Aspartic acid. This variant has been observed in at least one proband with clinical features consistent with Fabry disease (PMID:28736719). At least one functional study has demonstrated a substantial alteration in protein function relative to the wild-type (PMID:27657681). This variant is located in a mutational hotspot and/or important functional domain. It is absent or not present at a significant frequency in gnomAD. In silico models predict that this variant is possibly or probably damaging. In conclusion, we classify GLA p.Tyr88Asp (c.262T>G) as a pathogenic variant.

Literature cited by the submitters: PubMed 28736719; PubMed 27657681.